The following is an entry in ClinVar:

NM_001184880.2(PCDH19):c.2392A>G (p.Lys798Glu)

Genes: PCDH19 (protocadherin 19; minus strand), LOC125467768 (CDK7 strongly-dependent group 2 enhancer GRCh37_chrX:99657381-99658580; plus strand). Cytogenetic location: Xq22.1.
Variant type: single nucleotide variant.
Coding change: c.2392A>G on transcript NM_001184880.2 (MANE Select); coding-DNA position 2392, A replaced by G.
Protein change: p.Lys798Glu; replaces lysine 798 with glutamic acid.
Molecular consequence: missense variant.
Genome position (GRCh38, 1-based): chrX:100,402,748, T>C on the plus strand (A>G on the coding strand, the complement: PCDH19 is on the minus strand). VCF-style: chrX-100402748-T-C. GRCh37 (hg19) VCF-style: chrX-99657746-T-C.
Other names: c.2251A>G, p.Lys751Glu (NM_001105243.2, NM_020766.3); short protein forms K751E, K798E.
Identifiers: ClinVar variation 1512793 (VCV001512793.8), dbSNP rs2147533341, ClinGen allele CA414005995.
Genomic context (GRCh38, chrX:100,402,748, plus strand): 5'-GGTGGTAGTCAAAATAGTTGAGGGAGGAGGTCAGGGAAGAGCAACTGACAACGTTCATCT[T>C]GTCTGTCTCCTCCACATCCCGGGGTACCAGGCGGATGTCATTCTTACTGATTTTTTTCTT-3'
Protein context (NP_001171809.1, residues 788-808): LVPRDVEETD[Lys798Glu]MNVVSCSSLT

ClinVar aggregate classification (germline): Uncertain significance (1 of 4 stars; one submission).

Conditions:
Developmental and epileptic encephalopathy, 9 (DEE9). Also called: Early infantile epileptic encephalopathy 9; JUBERG-HELLMAN SYNDROME; EPILEPSY, FEMALE-RESTRICTED, WITH MENTAL RETARDATION; PCDH19-Related X-Linked Female-Limited Epilepsy with Mental Retardation. Identifiers: Orphanet 101039, Orphanet 2076, MedGen C1848137, MONDO:0010246, OMIM 300088. Disease mechanism: loss of function.

Submission:

Labcorp Genetics (formerly Invitae), Labcorp
Classification: Uncertain significance for Developmental and epileptic encephalopathy, 9. Last evaluated: 2026-01-26. Review status: criteria provided, single submitter. Criteria: Invitae Variant Classification Sherloc (09022015). Collection method: clinical testing. Allele origin: germline.
Comment: This sequence change replaces lysine, which is basic and polar, with glutamic acid, which is acidic and polar, at codon 798 of the PCDH19 protein (p.Lys798Glu). This variant is not present in population databases (gnomAD no frequency). This variant has not been reported in the literature in individuals affected with PCDH19-related conditions. ClinVar contains an entry for this variant (Variation ID: 1512793). Invitae Evidence Modeling of protein sequence and biophysical properties (such as structural, functional, and spatial information, amino acid conservation, physicochemical variation, residue mobility, and thermodynamic stability) indicates that this missense variant is not expected to disrupt PCDH19 protein function with a negative predictive value of 95%. In summary, the available evidence is currently insufficient to determine the role of this variant in disease. Therefore, it has been classified as a Variant of Uncertain Significance.